The following is an entry in ClinVar:

ClinVar aggregate classification (germline): Uncertain significance (1 of 4 stars; one submission).

gnomAD v4.1: 71 of 1,429,048 alleles (0.005%); highest among the groups gnomAD compares: Non-Finnish European, 0.0063%; no homozygotes.

Submission:

Labcorp Genetics (formerly Invitae), Labcorp
Classification: Uncertain significance. Last evaluated: 2025-04-10. Review status: criteria provided, single submitter. Criteria: Invitae Variant Classification Sherloc (09022015). Collection method: clinical testing. Allele origin: germline.
Comment: This sequence change replaces leucine, which is neutral and non-polar, with phenylalanine, which is neutral and non-polar, at codon 16 of the ERBB2 protein (p.Leu16Phe). The frequency data for this variant in the population databases is considered unreliable, as metrics indicate poor data quality at this position in the gnomAD database. This variant has not been reported in the literature in individuals affected with ERBB2-related conditions. ClinVar contains an entry for this variant (Variation ID: 3710473). Experimental studies and prediction algorithms are not available or were not evaluated, and the functional significance of this variant is currently unknown. In summary, the available evidence is currently insufficient to determine the role of this variant in disease. Therefore, it has been classified as a Variant of Uncertain Significance.

NM_004448.4(ERBB2):c.48G>T (p.Leu16Phe)

Gene: ERBB2 (erb-b2 receptor tyrosine kinase 2; plus strand). Cytogenetic location: 17q12.
Variant type: single nucleotide variant.
Coding change: c.48G>T on transcript NM_004448.4 (MANE Select); coding-DNA position 48, G replaced by T.
Protein change: p.Leu16Phe; replaces leucine 16 with phenylalanine.
Molecular consequence: missense variant. On other transcripts: 5 prime UTR variant (1), non-coding transcript variant (1), intron variant (4).
Genome position (GRCh38, 1-based): chr17:39,700,286, G>T. VCF-style: chr17-39700286-G-T. GRCh37 (hg19) VCF-style: chr17-37856539-G-T.
Other names: c.48G>T, p.Leu16Phe (NM_001289937.2, NM_001382784.1, NM_001382785.1 and 21 more transcripts); c.-168G>T (NM_001382783.1); c.-18+5105G>T (NM_001382782.1, NM_001005862.3, NM_001289938.2); c.28+699G>T (NM_001289936.2); short protein forms L16F.
Identifiers: ClinVar variation 3710473 (VCV003710473.2).